The following is an entry in ClinVar:

ClinVar aggregate classification (germline): Uncertain significance (1 of 4 stars; one submission).

Conditions:
Intellectual developmental disorder, autosomal dominant 71, with behavioral abnormalities (MRD71). Identifiers: MedGen C5830437, MONDO:0957228, OMIM 620330.

Submission:

Juno Genomics, Hangzhou Juno Genomics, Inc
Classification: Uncertain significance for Intellectual developmental disorder, autosomal dominant 71, with behavioral abnormalities. Review status: criteria provided, single submitter. Criteria: ACMG Guidelines, 2015. Collection method: clinical testing. Allele origin: germline.
Comment: Absent from controls (or at extremely low frequency if recessive) in Genome Aggregation Database.;Protein length changes due to in-frame deletions/insertions in a non-repeat region or stop-loss variants.

NM_022841.7(RFX7):c.1027_1029dup (p.Asn343_Leu344insAsn)

Gene: RFX7 (regulatory factor X7; minus strand). Cytogenetic location: 15q21.3.
Variant type: Duplication.
Coding change: c.1027_1029dup on transcript NM_022841.7 (MANE Select); coding-DNA positions 1027 to 1029, 3 bases duplicated (AAT; older notation c.1027_1029dupAAT).
Protein change: p.Asn343_Leu344insAsn.
Molecular consequence: inframe insertion.
Genome position (GRCh38, 1-based): chr15:56,098,159-56,098,161, ATT duplicated on the plus strand (AAT on the coding strand, the reverse complement: RFX7 is on the minus strand); duplicating any 3 consecutive bases within chr15:56,098,159-56,098,162 gives the same sequence; the c. name uses the placement nearest the transcript's 3' end. VCF-style (leftmost placement, unchanged base first): chr15-56098158-G-GATT. GRCh37 (hg19) VCF-style: chr15-56390356-G-GATT.
Other names: c.736_738dup, p.Asn246_Leu247insAsn (NM_001368073.2, NM_001368074.1, NM_001370554.1); c.1027_1029dup, p.Asn343_Leu344insAsn (NM_001370561.1).
Identifiers: ClinVar variation 5018938 (VCV005018938.2).